The following is an entry in ClinVar:

NM_005219.5(DIAPH1):c.1892CTT[1] (p.Ser632del)

Gene: DIAPH1 (diaphanous related formin 1; minus strand). Cytogenetic location: 5q31.3.
Variant type: Microsatellite.
Coding change: c.1892CTT[1] on transcript NM_005219.5 (MANE Select); one copy of the 3-base unit CTT starting at c.1892; the reference has two copies in a row; one copy, 3 bases deleted.
Protein change: p.Ser632del; deletes serine 632.
Molecular consequence: inframe deletion.
Genome position (GRCh38, 1-based): chr5:141,573,953-141,573,955, AAG deleted on the plus strand (CTT on the coding strand, the reverse complement: DIAPH1 is on the minus strand); deleting any 3 consecutive bases within chr5:141,573,953-141,573,958 gives the same sequence; the position shown is the placement nearest the transcript's 3' end. VCF-style (leftmost placement, unchanged base first): chr5-141573952-AAAG-A. GRCh37 (hg19) VCF-style: chr5-140953519-AAAG-A.
Other names: c.1865CTT[1], p.Ser623del (NM_001079812.3); c.1892CTT[1], p.Ser632del (NM_001314007.2); short protein forms S632del, S623del.
Identifiers: ClinVar variation 1398640 (VCV001398640.11), dbSNP rs1361907715, ClinGen allele CA804796879.

ClinVar aggregate classification (germline): Uncertain significance (1 of 4 stars; one submission).

Conditions:
Progressive microcephaly-seizures-cortical blindness-developmental delay syndrome. Also called: Seizures, cortical blindness, and microcephaly syndrome. Identifiers: Orphanet 477814, MedGen C5567650, MONDO:0014714, OMIM 616632.
Autosomal dominant nonsyndromic hearing loss 1. Also called: DEAFNESS, AUTOSOMAL DOMINANT 1, WITH OR WITHOUT THROMBOCYTOPENIA; KONIGSMARK SYNDROME. Identifiers: Orphanet 90635, MedGen C1852282, MONDO:0007424, OMIM 124900.

Submission:

Labcorp Genetics (formerly Invitae), Labcorp
Classification: Uncertain significance for Progressive microcephaly-seizures-cortical blindness-developmental delay syndrome; Autosomal dominant nonsyndromic hearing loss 1. Last evaluated: 2023-02-18. Review status: criteria provided, single submitter. Criteria: Invitae Variant Classification Sherloc (09022015). Collection method: clinical testing. Allele origin: germline.
Comment: This variant, c.1895_1897del, results in the deletion of 1 amino acid(s) of the DIAPH1 protein (p.Ser632del), but otherwise preserves the integrity of the reading frame. In summary, the available evidence is currently insufficient to determine the role of this variant in disease. Therefore, it has been classified as a Variant of Uncertain Significance. Experimental studies and prediction algorithms are not available or were not evaluated, and the functional significance of this variant is currently unknown. This variant has not been reported in the literature in individuals affected with DIAPH1-related conditions. This variant is not present in population databases (gnomAD no frequency).